The following is an entry in ClinVar:

ClinVar aggregate classification (germline): Uncertain significance (1 of 4 stars; one submission).

Conditions:
Adenylosuccinate lyase deficiency (ADSLD). Also called: ADSL DEFICIENCY. Identifiers: Orphanet 46, MedGen C0268126, MONDO:0007068, OMIM 103050.

Submission:

Labcorp Genetics (formerly Invitae), Labcorp
Classification: Uncertain significance for Adenylosuccinate lyase deficiency. Last evaluated: 2022-02-10. Review status: criteria provided, single submitter. Criteria: Invitae Variant Classification Sherloc (09022015). Collection method: clinical testing. Allele origin: germline.
Comment: In summary, the available evidence is currently insufficient to determine the role of this variant in disease. Therefore, it has been classified as a Variant of Uncertain Significance. Experimental studies and prediction algorithms are not available or were not evaluated, and the functional significance of this variant is currently unknown. This variant has not been reported in the literature in individuals affected with ADSL-related conditions. This variant is not present in population databases (gnomAD no frequency). This variant occurs in a non-coding region of the ADSL gene. It does not change the encoded amino acid sequence of the ADSL protein.

NC_000022.11:g.40346489C>T

Gene: ADSL (adenylosuccinate lyase; plus strand). Cytogenetic location: 22q13.1.
Variant type: single nucleotide variant.
Genome position: GRCh38 VCF-style: chr22-40346489-C-T. GRCh37 (hg19) VCF-style: chr22-40742493-C-T.
Identifiers: ClinVar variation 1353738 (VCV001353738.5), dbSNP rs949660803, ClinGen allele CA324446977.